The following is an entry in ClinVar:

NM_002473.6(MYH9):c.362T>G (p.Ile121Ser)

Gene: MYH9 (myosin heavy chain 9; minus strand). Cytogenetic location: 22q12.3.
Variant type: single nucleotide variant.
Coding change: c.362T>G on transcript NM_002473.6 (MANE Select); coding-DNA position 362, T replaced by G.
Protein change: p.Ile121Ser; replaces isoleucine 121 with serine.
Molecular consequence: missense variant.
Genome position (GRCh38, 1-based): chr22:36,341,498, A>C on the plus strand (T>G on the coding strand, the complement: MYH9 is on the minus strand). VCF-style: chr22-36341498-A-C. GRCh37 (hg19) VCF-style: chr22-36737543-A-C.
Other names: short protein forms I121S.
Identifiers: ClinVar variation 3236027 (VCV003236027.1), dbSNP rs2518014389, ClinGen allele CA411548945.

ClinVar aggregate classification (germline): Uncertain significance (1 of 4 stars; one submission).

Conditions:
Macrothrombocytopenia and granulocyte inclusions with or without nephritis or sensorineural hearing loss (MATINS). Also called: MAY-HEGGLIN ANOMALY; DOHLE LEUKOCYTE INCLUSIONS WITH GIANT PLATELETS; MACROTHROMBOCYTOPENIA WITH LEUKOCYTE INCLUSIONS; BLEEDING DISORDER, PLATELET-TYPE, 6; SEBASTIAN PLATELET SYNDROME; MACROTHROMBOCYTOPENIA WITH DISPERSED LEUKOCYTIC INCLUSIONS. Identifiers: Orphanet 182050, MedGen C5200934, MONDO:0015912, OMIM 155100.

Submission:

MVZ Medizinische Genetik Mainz
Classification: Uncertain significance for Macrothrombocytopenia and granulocyte inclusions with or without nephritis or sensorineural hearing loss. Last evaluated: 2023-01-26. Review status: criteria provided, single submitter. Criteria: UK Practice Guidelines For Variant Classification V4 01 2020. Collection method: clinical testing. Allele origin: germline. Inheritance: Autosomal dominant inheritance. Affected: yes. Observed: 1 variant allele.
Comment: ACMG Criteria: PM2_SUP, PP2, PP3 (ACMG Version 4)